The following is an entry in ClinVar:

ClinVar aggregate classification (germline): Uncertain significance (1 of 4 stars; one submission).

Conditions:
Werner syndrome (WRN). Identifiers: Orphanet 902, MedGen C0043119, MONDO:0010196, OMIM 277700.

Allele frequency attached by ClinVar (database versions not stated): gnomAD exomes below 0.00001.
gnomAD v4.1: 1 of 1,613,650 alleles (0.000062%); highest among the groups gnomAD compares: Non-Finnish European, 0.000085%; no homozygotes.

Submission:

Labcorp Genetics (formerly Invitae), Labcorp
Classification: Uncertain significance for Werner syndrome. Last evaluated: 2024-07-24. Review status: criteria provided, single submitter. Criteria: Invitae Variant Classification Sherloc (09022015). Collection method: clinical testing. Allele origin: germline.
Comment: This sequence change replaces serine, which is neutral and polar, with proline, which is neutral and non-polar, at codon 1256 of the WRN protein (p.Ser1256Pro). This variant is not present in population databases (gnomAD no frequency). This variant has not been reported in the literature in individuals affected with WRN-related conditions. An algorithm developed to predict the effect of missense changes on protein structure and function outputs the following: PolyPhen-2: "Benign". The proline amino acid residue is found in multiple mammalian species, which suggests that this missense change does not adversely affect protein function. In summary, the available evidence is currently insufficient to determine the role of this variant in disease. Therefore, it has been classified as a Variant of Uncertain Significance.

NM_000553.6(WRN):c.3766T>C (p.Ser1256Pro)

Gene: WRN (WRN RecQ like helicase; plus strand). Cytogenetic location: 8p12.
Variant type: single nucleotide variant.
Coding change: c.3766T>C on transcript NM_000553.6 (MANE Select); coding-DNA position 3766, T replaced by C.
Protein change: p.Ser1256Pro; replaces serine 1256 with proline.
Molecular consequence: missense variant.
Genome position (GRCh38, 1-based): chr8:31,154,702, T>C. VCF-style: chr8-31154702-T-C. GRCh37 (hg19) VCF-style: chr8-31012218-T-C.
Other names: short protein forms S1256P.
Identifiers: ClinVar variation 2985864 (VCV002985864.3), dbSNP rs2536056697, ClinGen allele CA370929138.